The following is an entry in ClinVar:

NM_152722.5(HEPACAM):c.721C>T (p.Leu241Phe)

Gene: HEPACAM (hepatic and glial cell adhesion molecule; minus strand). Cytogenetic location: 11q24.2.
Variant type: single nucleotide variant.
Coding change: c.721C>T on transcript NM_152722.5 (MANE Select); coding-DNA position 721, C replaced by T.
Protein change: p.Leu241Phe; replaces leucine 241 with phenylalanine.
Molecular consequence: missense variant.
Genome position (GRCh38, 1-based): chr11:124,923,422, G>A on the plus strand (C>T on the coding strand, the complement: HEPACAM is on the minus strand). VCF-style: chr11-124923422-G-A. GRCh37 (hg19) VCF-style: chr11-124793318-G-A.
Other names: c.721C>T, p.Leu241Phe (NM_001411043.1); short protein forms L241F.
Identifiers: ClinVar variation 3893540 (VCV003893540.1).

ClinVar aggregate classification (germline): Uncertain significance (1 of 4 stars; one submission).

Submission:

GeneDx
Classification: Uncertain significance. Last evaluated: 2024-10-28. Review status: criteria provided, single submitter. Criteria: GeneDx Variant Classification Process June 2021. Collection method: clinical testing. Allele origin: germline. Affected: yes.
Comment: Not observed at significant frequency in large population cohorts (gnomAD); In silico analysis indicates that this missense variant does not alter protein structure/function; Has not been previously published as pathogenic or benign to our knowledge